The following is an entry in ClinVar:

NM_000719.7(CACNA1C):c.3718-10C>A

Gene: CACNA1C (calcium voltage-gated channel subunit alpha1 C; plus strand). Cytogenetic location: 12p13.33.
Variant type: single nucleotide variant.
Coding change: c.3718-10C>A on transcript NM_000719.7 (MANE Select); 10 bases into the intron before coding-DNA position 3718, C replaced by A.
Molecular consequence: intron variant.
Genome position (GRCh38, 1-based): chr12:2,611,893, C>A. VCF-style: chr12-2611893-C-A. GRCh37 (hg19) VCF-style: chr12-2721059-C-A.
Other names: c.3718-10C>A (NM_001167624.3, NM_001167623.2, NM_001167625.2 and 15 more transcripts); c.3778-10C>A (NM_199460.4, NM_001129827.2, NM_001129832.2); c.3709-10C>A (NM_001129844.2).
Identifiers: ClinVar variation 1375904 (VCV001375904.6), dbSNP rs2078011532, ClinGen allele CA944090470.

ClinVar aggregate classification (germline): Uncertain significance (1 of 4 stars; one submission).

Conditions:
Long QT syndrome (LQTS). Identifiers: MedGen C0023976, MeSH D008133, MONDO:0002442. Disease mechanism: loss of function. Inheritance: Various modes of inheritance.

Allele frequency attached by ClinVar (database versions not stated): gnomAD 0.00001.

Submission:

Labcorp Genetics (formerly Invitae), Labcorp
Classification: Uncertain significance for Long QT syndrome. Last evaluated: 2021-08-18. Review status: criteria provided, single submitter. Criteria: Invitae Variant Classification Sherloc (09022015). Collection method: clinical testing. Allele origin: germline.
Comment: Algorithms developed to predict the effect of sequence changes on RNA splicing suggest that this variant may disrupt the consensus splice site. This sequence change falls in intron 28 of the CACNA1C gene. It does not directly change the encoded amino acid sequence of the CACNA1C protein. This variant is not present in population databases (ExAC no frequency). This variant has not been reported in the literature in individuals affected with CACNA1C-related conditions. In summary, the available evidence is currently insufficient to determine the role of this variant in disease. Therefore, it has been classified as a Variant of Uncertain Significance.